The following is an entry in ClinVar:

ClinVar aggregate classification (germline): Likely benign. Review status: criteria provided, single submitter (1 of 4 stars). 2 submissions from 2 submitters: Likely benign (1). 1 of the submissions does not count toward it. Last evaluated 2022-02-16.

Conditions:
POLQ-related disorder. Also called: POLQ-related condition.

Allele frequency attached by ClinVar (database versions not stated): gnomAD exomes 0.00001; ExAC 0.00007; gnomAD 0.00009; TOPMed 0.00009; 1000 Genomes Project 30x 0.00016; 1000 Genomes Project 0.00020.
gnomAD v4.1: 25 of 1,613,934 alleles (0.0015%); highest among the groups gnomAD compares: African/African-American, 0.029%; no homozygotes.

Submissions (2):

Ambry Genetics
Classification: Likely benign. Last evaluated: 2022-02-16. Review status: criteria provided, single submitter. Criteria: Ambry Variant Classification Scheme 2023. Collection method: clinical testing. Allele origin: germline.

PreventionGenetics, part of Exact Sciences
Classification: Likely benign for POLQ-related condition. Last evaluated: 2019-04-29. Review status: no assertion criteria provided. Collection method: clinical testing. Allele origin: germline. Not counted in ClinVar's aggregate classification.
Comment: This variant is classified as likely benign based on ACMG/AMP sequence variant interpretation guidelines (Richards et al. 2015 PMID: 25741868, with internal and published modifications).

NM_199420.4(POLQ):c.1842T>C (p.Leu614=)

Gene: POLQ (DNA polymerase theta; minus strand). Cytogenetic location: 3q13.33.
Variant type: single nucleotide variant.
Coding change: c.1842T>C on transcript NM_199420.4 (MANE Select); coding-DNA position 1842, T replaced by C.
Protein change: p.Leu614=; no amino-acid change (leucine 614 retained).
Molecular consequence: synonymous variant.
Genome position (GRCh38, 1-based): chr3:121,509,678, A>G on the plus strand (T>C on the coding strand, the complement: POLQ is on the minus strand). VCF-style: chr3-121509678-A-G. GRCh37 (hg19) VCF-style: chr3-121228525-A-G.
Identifiers: ClinVar variation 1781187 (VCV001781187.4), dbSNP rs541688583, ClinGen allele CA2563429.